The following is an entry in ClinVar:

ClinVar aggregate classification (germline): Likely benign. Review status: criteria provided, multiple submitters, no conflicts (2 of 4 stars). 3 submissions from 3 submitters: Likely benign (3). Last evaluated 2026-01-06.

Conditions:
Arrhythmogenic right ventricular dysplasia 10. Also called: Arrhythmogenic Right Ventricular Dysplasia/Cardiomyopathy10; ARRHYTHMOGENIC RIGHT VENTRICULAR DYSPLASIA, FAMILIAL, 10; Arrhythmogenic right ventricular dysplasia/cardiomyopathy, type 10. Identifiers: MedGen C1857777, MONDO:0012434, OMIM 610193.
Cardiomyopathy (CMYO). Also called: Cardiomyopathies. Identifiers: Orphanet 167848, MedGen C0878544, MONDO:0004994, HP:0001638. Inheritance: Various modes of inheritance.

Allele frequency attached by ClinVar (database versions not stated): gnomAD exomes below 0.00001.
gnomAD v4.1: 3 of 1,263,470 alleles (0.00024%); highest among the groups gnomAD compares: Non-Finnish European, 0.0002%; no homozygotes.

Submissions (3):

Labcorp Genetics (formerly Invitae), Labcorp
Classification: Likely benign for Arrhythmogenic right ventricular dysplasia 10. Last evaluated: 2026-01-06. Review status: criteria provided, single submitter. Criteria: Invitae Variant Classification Sherloc (09022015). Collection method: clinical testing. Allele origin: germline.

CeGaT Center for Human Genetics Tuebingen
Classification: Likely benign. Last evaluated: 2024-09-01. Review status: criteria provided, single submitter. Criteria: CeGaT Center For Human Genetics Tuebingen Variant Classification Criteria Version 2. Collection method: clinical testing. Allele origin: germline. Affected: yes. Observed: 1 variant allele.
Comment: DSG2: BP4, BP7

Color Diagnostics, LLC DBA Color Health
Classification: Likely benign for Cardiomyopathy. Last evaluated: 2023-12-05. Review status: criteria provided, single submitter. Criteria: ACMG Guidelines, 2015. Collection method: clinical testing. Allele origin: germline.

NM_001943.5(DSG2):c.21C>T (p.Arg7=)

Genes: DSG2 (desmoglein 2; plus strand), LOC130062340 (ATAC-STARR-seq lymphoblastoid silent region 9384; plus strand). Cytogenetic location: 18q12.1.
Variant type: single nucleotide variant.
Coding change: c.21C>T on transcript NM_001943.5 (MANE Select); coding-DNA position 21, C replaced by T.
Protein change: p.Arg7=; no amino-acid change (arginine 7 retained).
Molecular consequence: synonymous variant.
Genome position (GRCh38, 1-based): chr18:31,498,272, C>T. VCF-style: chr18-31498272-C-T. GRCh37 (hg19) VCF-style: chr18-29078235-C-T.
Identifiers: ClinVar variation 2775202 (VCV002775202.17), dbSNP rs2510903651, ClinGen allele CA503595734.